The following is an entry in ClinVar:

NM_012338.4(TSPAN12):c.225_230del (p.Ile75_Val77delinsMet)

Gene: TSPAN12 (tetraspanin 12; minus strand). Cytogenetic location: 7q31.31.
Variant type: Deletion.
Coding change: c.225_230del on transcript NM_012338.4 (MANE Select); coding-DNA positions 225 to 230, 6 bases deleted (CATTGT; older notation c.225_230delCATTGT).
Protein change: p.Ile75_Val77delinsMet.
Molecular consequence: inframe indel.
Genome position (GRCh38, 1-based): chr7:120,838,832-120,838,837, ACAATG deleted on the plus strand (CATTGT on the coding strand, the reverse complement: TSPAN12 is on the minus strand); deleting any 6 consecutive bases within chr7:120,838,832-120,838,838 gives the same sequence; the c. name uses the placement nearest the transcript's 3' end. VCF-style (leftmost placement, unchanged base first): chr7-120838831-CACAATG-C. GRCh37 (hg19) VCF-style: chr7-120478885-CACAATG-C.
Identifiers: ClinVar variation 2856694 (VCV002856694.3), dbSNP rs2485420103, ClinGen allele CA2739277868.

ClinVar aggregate classification (germline): Uncertain significance (1 of 4 stars; one submission).

Submission:

Labcorp Genetics (formerly Invitae), Labcorp
Classification: Uncertain significance. Last evaluated: 2023-04-15. Review status: criteria provided, single submitter. Criteria: Invitae Variant Classification Sherloc (09022015). Collection method: clinical testing. Allele origin: germline.
Comment: This variant is not present in population databases (gnomAD no frequency). In summary, the available evidence is currently insufficient to determine the role of this variant in disease. Therefore, it has been classified as a Variant of Uncertain Significance. Experimental studies and prediction algorithms are not available or were not evaluated, and the functional significance of this variant is currently unknown. This variant has not been reported in the literature in individuals affected with TSPAN12-related conditions. This variant, c.225_230del, is a complex sequence change that results in the deletion of 3 and insertion of 1 amino acid(s) in the TSPAN12 protein (p.Ile75_Val77delinsMet).